The following is an entry in ClinVar:

NM_000381.4(MID1):c.870G>A (p.Met290Ile)

Gene: MID1 (midline 1; minus strand). Cytogenetic location: Xp22.2.
Variant type: single nucleotide variant.
Coding change: c.870G>A on transcript NM_000381.4 (MANE Select); coding-DNA position 870, G replaced by A.
Protein change: p.Met290Ile; replaces methionine 290 with isoleucine.
Molecular consequence: missense variant.
Genome position (GRCh38, 1-based): chrX:10,482,623, C>T on the plus strand (G>A on the coding strand, the complement: MID1 is on the minus strand). VCF-style: chrX-10482623-C-T. GRCh37 (hg19) VCF-style: chrX-10450663-C-T.
Other names: c.870G>A, p.Met290Ile (NM_001098624.2, NM_001193277.1, NM_001193279.1 and 2 more transcripts); c.1023G>A, p.Met341Ile (NM_001193278.1); c.756G>A, p.Met252Ile (NM_001193280.1, NM_033289.2); short protein forms M252I, M290I, M341I.
Identifiers: ClinVar variation 1309225 (VCV001309225.2), dbSNP rs1203361279, ClinGen allele CA412053049.
Genomic context (GRCh38, chrX:10,482,623, plus strand): 5'-TGCTGACCGCTCAATGCACTGTTTGCAGTTTGCAATCTGCTGAGCCAGTTTGCGAAGCCT[C>T]ATCACCTTGAACAAAAGAGGCATGGAGAGAGATGGTTACATGGGTGGTCTTGCTTAATGA-3'
Protein context (NP_000372.1, residues 280-300): IGTKIKEGKV[Met290Ile]RLRKLAQQIA

ClinVar aggregate classification (germline): Uncertain significance (1 of 4 stars; one submission).

Submission:

GeneDx
Classification: Uncertain significance. Last evaluated: 2019-10-22. Review status: criteria provided, single submitter. Criteria: GeneDx Variant Classification Process June 2021. Collection method: clinical testing. Allele origin: germline. Affected: yes.
Comment: Not observed in large population cohorts (Lek et al., 2016); In silico analysis, which includes protein predictors and evolutionary conservation, supports that this variant does not alter protein structure/function; Has not been previously published as pathogenic or benign to our knowledge